The following is an entry in ClinVar:

NM_152281.3(GORAB):c.408_409del (p.Lys137fs)

Gene: GORAB (golgin, RAB6 interacting; plus strand). Cytogenetic location: 1q24.2.
Variant type: Deletion.
Coding change: c.408_409del on transcript NM_152281.3 (MANE Select); coding-DNA positions 408 to 409, 2 bases deleted (GA; older notation c.408_409delGA).
Protein change: p.Lys137fs; shifts the reading frame from lysine 137.
Molecular consequence: frameshift variant. On other transcripts: 5 prime UTR variant (1), non-coding transcript variant (1).
Genome position (GRCh38, 1-based): chr1:170,539,556-170,539,557, GA deleted; deleting any 2 consecutive bases within chr1:170,539,555-170,539,557 gives the same sequence; the c. name uses the placement nearest the transcript's 3' end. VCF-style (leftmost placement, unchanged base first): chr1-170539554-AAG-A. GRCh37 (hg19) VCF-style: chr1-170508695-AAG-A.
Other names: c.483_484delGA (NM_001146039.1); c.408_409del, p.Lys137fs (NM_001146039.2); c.-58_-57del (NM_001320252.2); short protein forms K137fs.
Identifiers: ClinVar variation 225381 (VCV000225381.8), dbSNP rs1085307068, ClinGen allele CA645293789.
Genomic context (GRCh38, chr1:170,539,554, plus strand): 5'-CATGATGGTCACAACAATGTTGAGATTCTACCTCCAAAGCCAGATTGCAAATTGGAGAAA[AAG>A]AAAGTGGAATTGTTAGTAAGTCTATGTGAAAAGTCCATGAGACTTTTCATTTAACCCGTT-3'

ClinVar aggregate classification (germline): Pathogenic/Likely pathogenic. Review status: criteria provided, multiple submitters, no conflicts (2 of 4 stars). 4 submissions from 4 submitters: Pathogenic (1); Likely pathogenic (3). Last evaluated 2024-02-05.

Conditions:
Geroderma osteodysplastica (GO). Also called: WALT DISNEY DWARFISM; Geroderma osteodysplasticum. Identifiers: Orphanet 2078, MedGen C0432255, MONDO:0009271, OMIM 231070.

Submissions (4):

Fulgent Genetics
Classification: Likely pathogenic for Geroderma osteodysplastica. Last evaluated: 2024-02-05. Review status: criteria provided, single submitter. Criteria: ACMG Guidelines, 2015. Collection method: clinical testing. Allele origin: germline.

Genome-Nilou Lab
Classification: Likely pathogenic for Geroderma osteodysplastica. Last evaluated: 2023-04-11. Review status: criteria provided, single submitter. Criteria: ACMG Guidelines, 2015. Collection method: clinical testing. Allele origin: germline. Affected: no.

Labcorp Genetics (formerly Invitae), Labcorp
Classification: Pathogenic. Last evaluated: 2023-03-07. Review status: criteria provided, single submitter. Criteria: Invitae Variant Classification Sherloc (09022015). Collection method: clinical testing. Allele origin: germline.
Comment: This variant is not present in population databases (gnomAD no frequency). This sequence change creates a premature translational stop signal (p.Lys162Serfs*24) in the GORAB gene. It is expected to result in an absent or disrupted protein product. Loss-of-function variants in GORAB are known to be pathogenic (PMID: 18997784, 19681135). This variant has not been reported in the literature in individuals affected with GORAB-related conditions. ClinVar contains an entry for this variant (Variation ID: 225381). For these reasons, this variant has been classified as Pathogenic.

Soonchunhyang University Bucheon Hospital, Soonchunhyang University Medical Center
Classification: Likely pathogenic for Geroderma osteodysplastica. Last evaluated: 2016-03-18. Review status: criteria provided, single submitter. Criteria: ACMG Guidelines, 2015. Collection method: reference population. Allele origin: germline. Observed: 1 variant allele.

Literature cited by the submitters: PubMed 18997784 (cited by Labcorp Genetics (formerly Invitae), Labcorp and Soonchunhyang University Bucheon Hospital, Soonchunhyang University Medical Center); PubMed 19681135 (cited by Labcorp Genetics (formerly Invitae), Labcorp).